The following is an entry in ClinVar:

NM_001042492.3(NF1):c.6895del (p.Thr2299fs)

Gene: NF1 (neurofibromin 1; plus strand). Cytogenetic location: 17q11.2.
Variant type: Deletion.
Coding change: c.6895del on transcript NM_001042492.3 (MANE Select); coding-DNA position 6895, one base deleted (A; older notation c.6895delA).
Protein change: p.Thr2299fs; shifts the reading frame from threonine 2299.
Molecular consequence: frameshift variant.
Genome position (GRCh38, 1-based): chr17:31,338,779, A deleted; the last of 2 consecutive A bases (chr17:31,338,778-31,338,779); deleting either gives the same sequence. VCF-style (leftmost placement, unchanged base first): chr17-31338777-TA-T. GRCh37 (hg19) VCF-style: chr17-29665795-TA-T.
Other names: c.6832delA, p.Thr2278Profs (NM_000267.4); short protein forms T2299fs, T2278fs.
Identifiers: ClinVar variation 2031788 (VCV002031788.4), dbSNP rs2508763025, ClinGen allele CA2580093170.

ClinVar aggregate classification (germline): Pathogenic (1 of 4 stars; one submission).

Conditions:
Neurofibromatosis, type 1 (NF1). Also called: VON RECKLINGHAUSEN DISEASE; NEUROFIBROMATOSIS, TYPE I, SOMATIC; Neurofibromatosis, type I; Peripheral type neurofibromatosis. Identifiers: Orphanet 636, MedGen C0027831, MONDO:0018975, OMIM 162200. Disease mechanism: loss of function.

Submission:

Labcorp Genetics (formerly Invitae), Labcorp
Classification: Pathogenic for Neurofibromatosis, type 1. Last evaluated: 2022-09-22. Review status: criteria provided, single submitter. Criteria: Invitae Variant Classification Sherloc (09022015). Collection method: clinical testing. Allele origin: germline.
Comment: For these reasons, this variant has been classified as Pathogenic. This sequence change creates a premature translational stop signal (p.Thr2278Profs*20) in the NF1 gene. It is expected to result in an absent or disrupted protein product. Loss-of-function variants in NF1 are known to be pathogenic (PMID: 10712197, 23913538). This variant is not present in population databases (gnomAD no frequency). This variant has not been reported in the literature in individuals affected with NF1-related conditions.

Literature cited by the submitters: PubMed 10712197; PubMed 23913538.